The following is an entry in ClinVar:

ClinVar aggregate classification (germline): Uncertain significance (1 of 4 stars; one submission).

Submission:

Ambry Genetics
Classification: Uncertain significance. Last evaluated: 2025-08-23. Review status: criteria provided, single submitter. Criteria: Ambry Variant Classification Scheme 2023. Collection method: clinical testing. Allele origin: germline.
Comment: The p.V717M variant (also known as c.2149G>A), located in coding exon 12 of the ATRIP gene, results from a G to A substitution at nucleotide position 2149. The valine at codon 717 is replaced by methionine, an amino acid with highly similar properties. This amino acid position is conserved. In addition, this alteration is predicted to be tolerated by in silico analysis. Based on the available evidence, the clinical significance of this variant remains unclear.

NM_130384.3(ATRIP):c.2149G>A (p.Val717Met)

Genes: ATRIP (ATR interacting protein; plus strand), ATRIP-TREX1 (ATRIP-TREX1 readthrough; plus strand). Cytogenetic location: 3p21.31.
Variant type: single nucleotide variant.
Coding change: c.2149G>A on transcript NM_130384.3 (MANE Select); coding-DNA position 2149, G replaced by A.
Protein change: p.Val717Met; replaces valine 717 with methionine.
Molecular consequence: missense variant. On other transcripts: non-coding transcript variant (1).
Genome position (GRCh38, 1-based): chr3:48,464,924, G>A. VCF-style: chr3-48464924-G-A. GRCh37 (hg19) VCF-style: chr3-48506323-G-A.
Other names: c.1768G>A, p.Val590Met (NM_001271022.2); c.1870G>A, p.Val624Met (NM_001271023.2); c.2068G>A, p.Val690Met (NM_032166.4); short protein forms V590M, V624M, V717M, V690M.
Identifiers: ClinVar variation 4182623 (VCV004182623.1).
Genomic context (GRCh38, chr3:48,464,924, plus strand): 5'-CAGTGGCTGACAGTGCGGAGGGCAGGGGGACCCCCAAGGACCGACCAGCAGAGGCGGACA[G>A]TGCGCTGTCTGCGGGACACGGTGCTGCTGCTGCACGGCCTATCGCAGAAGGACAAGCTCT-3'
Protein context (NP_569055.1, residues 707-727): PPRTDQQRRT[Val717Met]RCLRDTVLLL